The following is an entry in ClinVar:

NM_006182.4(DDR2):c.699C>T (p.Thr233=)

Gene: DDR2 (discoidin domain receptor tyrosine kinase 2; plus strand). Cytogenetic location: 1q23.3.
Variant type: single nucleotide variant.
Coding change: c.699C>T on transcript NM_006182.4 (MANE Select); coding-DNA position 699, C replaced by T.
Protein change: p.Thr233=; no amino-acid change (threonine 233 retained).
Molecular consequence: synonymous variant.
Genome position (GRCh38, 1-based): chr1:162,759,823, C>T. VCF-style: chr1-162759823-C-T. GRCh37 (hg19) VCF-style: chr1-162729613-C-T.
Other names: c.699C>T, p.Thr233= (LRG_1390t1, NM_001014796.3, NM_001354982.2 and 1 more transcripts).
Identifiers: ClinVar variation 259935 (VCV000259935.56), dbSNP rs56351141, ClinGen allele CA1217321.
Genomic context (GRCh38, chr1:162,759,823, plus strand): 5'-CTCCTTTTCCTCCTCTTCTCCTGGCCTGAGCAGCATGACAGAAGGGCTAGGCCAATTGAC[C>T]GATGGTGTGTCTGGCCTGGACGATTTCACCCAGACCCATGAATACCACGTGTGGCCCGGC-3'
Protein context (NP_006173.2, residues 223-243): YSMTEGLGQL[Thr233=]DGVSGLDDFT

ClinVar aggregate classification (germline): Conflicting classifications of pathogenicity. Review status: criteria provided, conflicting classifications (1 of 4 stars). 7 submissions from 7 submitters: Uncertain significance (1); Benign (5); Likely benign (1). Last evaluated 2026-01-27.

Conditions:
Connective tissue disorder. Also called: Connective tissue disease. Identifiers: MedGen C0009782, MONDO:0003900.
Spondyloepimetaphyseal dysplasia-short limb-abnormal calcification syndrome (SMED-SL). Also called: SMED, TYPE II; SMED-SL/AC; Spondylometaepiphyseal dysplasia, short limb-hand type; SMED short limb-hand type; SMED type 2; Spondylometaepiphyseal dysplasia short limb-abnormal calcification type. Identifiers: Orphanet 93358, MedGen C1849011, MONDO:0010077, OMIM 271665.

Allele frequency attached by ClinVar (database versions not stated): ExAC 0.00958; ESP Exome Variant Server 0.00984; TOPMed 0.00989; gnomAD exomes 0.01307 and 0.00934; 1000 Genomes Project 0.00539; 1000 Genomes Project 30x 0.00547; gnomAD 0.00914 and 0.00925.
gnomAD v4.1: 20,384 of 1,614,036 alleles (1.3%); highest among the groups gnomAD compares: Non-Finnish European, 1.5%; 175 homozygotes.

Submissions (7):

Labcorp Genetics (formerly Invitae), Labcorp
Classification: Benign. Last evaluated: 2026-01-27. Review status: criteria provided, single submitter. Criteria: Invitae Variant Classification Sherloc (09022015). Collection method: clinical testing. Allele origin: germline.

ARUP Laboratories, Molecular Genetics and Genomics, ARUP Laboratories
Classification: Benign. Last evaluated: 2025-06-26. Review status: criteria provided, single submitter. Criteria: ARUP Molecular Germline Variant Investigation Process 2024. Collection method: clinical testing. Allele origin: germline.

CeGaT Center for Human Genetics Tuebingen
Classification: Benign. Last evaluated: 2024-01-01. Review status: criteria provided, single submitter. Criteria: CeGaT Center For Human Genetics Tuebingen Variant Classification Criteria Version 2. Collection method: clinical testing. Allele origin: germline. Affected: yes. Observed: 4 variant alleles.
Comment: DDR2: BP4, BP7, BS1, BS2

Genome Diagnostics Laboratory, The Hospital for Sick Children
Classification: Benign for Connective tissue disorder. Last evaluated: 2020-11-19. Review status: criteria provided, single submitter. Criteria: ACMG Guidelines, 2015. Collection method: clinical testing. Allele origin: germline.

GeneDx
Classification: Likely benign. Last evaluated: 2020-07-30. Review status: criteria provided, single submitter. Criteria: GeneDx Variant Classification Process June 2021. Collection method: clinical testing. Allele origin: germline. Affected: yes.

Illumina Laboratory Services, Illumina
Classification: Uncertain significance for Spondyloepimetaphyseal dysplasia-short limb-abnormal calcification syndrome. Last evaluated: 2018-01-12. Review status: criteria provided, single submitter. Criteria: ICSL Variant Classification Criteria 13 December 2019. Collection method: clinical testing. Allele origin: germline.

PreventionGenetics, part of Exact Sciences
Classification: Benign. Review status: criteria provided, single submitter. Criteria: ACMG Guidelines, 2015. Collection method: clinical testing. Allele origin: germline.